The following is an entry in ClinVar:

NM_000017.4(ACADS):c.360+1G>A

Gene: ACADS (acyl-CoA dehydrogenase short chain; plus strand). Cytogenetic location: 12q24.31.
Variant type: single nucleotide variant.
Coding change: c.360+1G>A on transcript NM_000017.4 (MANE Select); the canonical splice donor site of the intron after coding-DNA position 360, G replaced by A.
Molecular consequence: splice donor variant.
Genome position (GRCh38, 1-based): chr12:120,737,136, G>A. VCF-style: chr12-120737136-G-A. GRCh37 (hg19) VCF-style: chr12-121174939-G-A.
Other names: c.360+1G>A (NM_001302554.2).
Identifiers: ClinVar variation 835731 (VCV000835731.8), dbSNP rs1018117461, ClinGen allele CA244521667.

ClinVar aggregate classification (germline): Likely pathogenic (1 of 4 stars; one submission).

Conditions:
Deficiency of butyryl-CoA dehydrogenase (ACADSD). Also called: ACADS DEFICIENCY; Short-Chain Acyl-CoA Dehydrogenase Deficiency; SCADH DEFICIENCY; ACYL-CoA DEHYDROGENASE, SHORT-CHAIN, DEFICIENCY OF; SCAD Deficiency; SCAD DEFICIENCY, MILD. Identifiers: Orphanet 26792, MedGen C0342783, MONDO:0008722, OMIM 201470. Disease mechanism: May be benign.

Allele frequency attached by ClinVar (database versions not stated): gnomAD 0.00002; gnomAD exomes 0.00002; TOPMed 0.00002.
gnomAD v4.1: 26 of 1,579,106 alleles (0.0016%); highest among the groups gnomAD compares: Non-Finnish European, 0.0022%; no homozygotes.

Submission:

Labcorp Genetics (formerly Invitae), Labcorp
Classification: Likely pathogenic for Deficiency of butyryl-CoA dehydrogenase. Last evaluated: 2022-10-03. Review status: criteria provided, single submitter. Criteria: Invitae Variant Classification Sherloc (09022015). Collection method: clinical testing. Allele origin: germline.
Comment: In summary, the currently available evidence indicates that the variant is pathogenic, but additional data are needed to prove that conclusively. Therefore, this variant has been classified as Likely Pathogenic. Algorithms developed to predict the effect of sequence changes on RNA splicing suggest that this variant may disrupt the consensus splice site. ClinVar contains an entry for this variant (Variation ID: 835731). This variant has not been reported in the literature in individuals affected with ACADS-related conditions. This variant is not present in population databases (gnomAD no frequency). This sequence change affects a donor splice site in intron 3 of the ACADS gene. It is expected to disrupt RNA splicing. Variants that disrupt the donor or acceptor splice site typically lead to a loss of protein function (PMID: 16199547), and loss-of-function variants in ACADS are known to be pathogenic (PMID: 12736383, 18523805).

Literature cited by the submitters: PubMed 16199547; PubMed 12736383; PubMed 18523805.